The following is an entry in ClinVar:

ClinVar aggregate classification (germline): Pathogenic (1 of 4 stars; one submission).

Submission:

Labcorp Genetics (formerly Invitae), Labcorp
Classification: Pathogenic. Last evaluated: 2023-05-23. Review status: criteria provided, single submitter. Criteria: Invitae Variant Classification Sherloc (09022015). Collection method: clinical testing. Allele origin: germline.
Comment: This variant is not present in population databases (gnomAD no frequency). This variant has not been reported in the literature in individuals affected with ERCC6-related conditions. For these reasons, this variant has been classified as Pathogenic. This sequence change creates a premature translational stop signal (p.Pro938Glnfs*14) in the ERCC6 gene. It is expected to result in an absent or disrupted protein product. Loss-of-function variants in ERCC6 are known to be pathogenic (PMID: 18628313, 29572252).

Literature cited by the submitters: PubMed 18628313; PubMed 29572252.

NM_000124.4(ERCC6):c.2813del (p.Pro938fs)

Genes: ERCC6 (ERCC excision repair 6, chromatin remodeling factor; minus strand), LOC126860933 (BRD4-independent group 4 enhancer GRCh37_chr10:50679962-50681161; plus strand). Cytogenetic location: 10q11.23.
Variant type: Deletion.
Coding change: c.2813del on transcript NM_000124.4 (MANE Select); coding-DNA position 2813, one base deleted (C; older notation c.2813delC).
Protein change: p.Pro938fs; shifts the reading frame from proline 938.
Molecular consequence: frameshift variant.
Genome position (GRCh38, 1-based): chr10:49,472,925, G deleted on the plus strand (C on the coding strand, the reverse complement: ERCC6 is on the minus strand); the first of 3 consecutive G bases (chr10:49,472,925-49,472,927); deleting any one gives the same sequence. VCF-style (leftmost placement, unchanged base first): chr10-49472924-TG-T. GRCh37 (hg19) VCF-style: chr10-50680970-TG-T.
Other names: c.2813del, p.Pro938fs (NM_001346440.2); short protein forms P938fs.
Identifiers: ClinVar variation 2977141 (VCV002977141.3), dbSNP rs2495980482, ClinGen allele CA2740092984.